The following is an entry in ClinVar:

ClinVar aggregate classification (germline): Pathogenic. Review status: criteria provided, multiple submitters, no conflicts (2 of 4 stars). 2 submissions from 2 submitters: Pathogenic (2). Last evaluated 2024-01-25.

Conditions:
Hereditary cancer-predisposing syndrome. Also called: Hereditary Cancer Syndrome; Neoplastic Syndromes, Hereditary; Tumor predisposition; Hereditary neoplastic syndrome. Identifiers: Orphanet 140162, MedGen C0027672, MeSH D009386, MONDO:0015356.
Familial cancer of breast. Also called: BREAST CANCER, FAMILIAL; Hereditary breast cancer; hereditary breast carcinoma. Identifiers: Orphanet 227535, MedGen C0346153, MONDO:0016419, OMIM 114480. Disease mechanism: loss of function.

Submissions (2):

Myriad Genetics, Inc.
Classification: Pathogenic for Familial cancer of breast. Last evaluated: 2024-01-25. Review status: criteria provided, single submitter. Criteria: Myriad Autosomal Dominant, Autosomal Recessive and X-Linked Classification Criteria (2023). Collection method: clinical testing. Allele origin: unknown.
Comment: This variant is considered pathogenic. This variant creates a frameshift predicted to result in premature protein truncation.

Ambry Genetics
Classification: Pathogenic for Hereditary cancer-predisposing syndrome. Last evaluated: 2022-08-16. Review status: criteria provided, single submitter. Criteria: Ambry Variant Classification Scheme 2023. Collection method: clinical testing. Allele origin: germline.
Comment: The c.5297delC pathogenic mutation, located in coding exon 34 of the ATM gene, results from a deletion of one nucleotide at nucleotide position 5297, causing a translational frameshift with a predicted alternate stop codon (p.P1766Lfs*10). This variant is considered to be rare based on population cohorts in the Genome Aggregation Database (gnomAD). This alteration is expected to result in loss of function by premature protein truncation or nonsense-mediated mRNA decay. As such, this alteration is interpreted as a disease-causing mutation.

NM_000051.4(ATM):c.5297del (p.Pro1766fs)

Gene: ATM (ATM serine/threonine kinase; plus strand). Cytogenetic location: 11q22.3.
Variant type: Deletion.
Coding change: c.5297del on transcript NM_000051.4 (MANE Select); coding-DNA position 5297, one base deleted (C; older notation c.5297delC).
Protein change: p.Pro1766fs; shifts the reading frame from proline 1766.
Molecular consequence: frameshift variant.
Genome position (GRCh38, 1-based): chr11:108,301,767, C deleted; the last of 2 consecutive C bases (chr11:108,301,766-108,301,767); deleting either gives the same sequence. VCF-style (leftmost placement, unchanged base first): chr11-108301765-GC-G. GRCh37 (hg19) VCF-style: chr11-108172492-GC-G.
Other names: c.5297del, p.Pro1766fs (NM_001351834.2); short protein forms P1766fs.
Identifiers: ClinVar variation 1746659 (VCV001746659.2), dbSNP rs2546974087, ClinGen allele CA2580083069.